The following is an entry in ClinVar:

NM_001374504.1(TMPRSS6):c.1055C>A (p.Ser352Ter)

Gene: TMPRSS6 (transmembrane serine protease 6; minus strand). Cytogenetic location: 22q12.3.
Variant type: single nucleotide variant.
Coding change: c.1055C>A on transcript NM_001374504.1 (MANE Select); coding-DNA position 1055, C replaced by A.
Protein change: p.Ser352Ter; replaces serine 352 with a stop codon.
Molecular consequence: nonsense.
Genome position (GRCh38, 1-based): chr22:37,084,758, G>T on the plus strand (C>A on the coding strand, the complement: TMPRSS6 is on the minus strand). VCF-style: chr22-37084758-G-T. GRCh37 (hg19) VCF-style: chr22-37480798-G-T.
Other names: NM_153609.4:c.1055C>A; c.1055C>A, p.Ser352Ter (NM_001289000.2, NM_001289001.2, NM_153609.4); short protein forms S352*.
Identifiers: ClinVar variation 2412690 (VCV002412690.1), dbSNP rs776912815, ClinGen allele CA411424705.

ClinVar aggregate classification (germline): Pathogenic (1 of 4 stars; one submission).

Conditions:
Iron-refractory iron deficiency anemia (IRIDA). Also called: IRIDA syndrome; IRON-HANDLING DISORDER, HEREDITARY; PSEUDO-IRON-DEFICIENCY ANEMIA; ANEMIA, HYPOCHROMIC MICROCYTIC, WITH DEFECT IN IRON METABOLISM. Identifiers: Orphanet 209981, MedGen C0085576, MONDO:0008788, OMIM 206200. Disease mechanism: loss of function.

Submission:

Broad Center for Mendelian Genomics, Broad Institute of MIT and Harvard
Classification: Pathogenic for Iron-refractory iron deficiency anemia. Last evaluated: 2023-01-25. Review status: criteria provided, single submitter. Criteria: ACMG Guidelines, 2015. Collection method: curation. Allele origin: germline. Inheritance: Autosomal recessive inheritance.
Comment: The p.Ser352Ter variant has not been previously reported in individuals with iron-refractory iron deficiency anemia (IRIDA) syndrome. This variant was absent from large population studies. This nonsense variant leads to a premature termination codon at position 352, which is predicted to lead to a truncated or absent protein. Loss of function is an established disease mechanism in autosomal recessive iron-refractory iron deficiency anemia (IRIDA) syndrome. In summary, this variant meets criteria to be classified as pathogenic for autosomal recessive iron-refractory iron deficiency anemia (IRIDA) syndrome. ACMG/AMP Criteria applied: PVS1, PM2_Supporting, PM3_Supporting (Richards 2015).